The following is an entry in ClinVar:

ClinVar aggregate classification (germline): Pathogenic (1 of 4 stars; one submission).

Conditions:
Deficiency of UDPglucose-hexose-1-phosphate uridylyltransferase. Also called: GALACTOSE-1-PHOSPHATE URIDYLYLTRANSFERASE DEFICIENCY; GALACTOSEMIA I; GALT deficiency; Galactosemia, classic; Transferase Deficiency Galactosemia. Identifiers: OMIM 230400, Orphanet 352, Orphanet 79239, MedGen C0268151, MONDO:0009258.

Submission:

Labcorp Genetics (formerly Invitae), Labcorp
Classification: Pathogenic for Deficiency of UDPglucose-hexose-1-phosphate uridylyltransferase. Last evaluated: 2021-01-03. Review status: criteria provided, single submitter. Criteria: Invitae Variant Classification Sherloc (09022015). Collection method: clinical testing. Allele origin: germline.
Comment: For these reasons, this variant has been classified as Pathogenic. Algorithms developed to predict the effect of sequence changes on RNA splicing suggest that this variant may disrupt the consensus splice site, but this prediction has not been confirmed by published transcriptional studies. This variant has not been reported in the literature in individuals with GALT-related conditions. This variant is not present in population databases (ExAC no frequency). This sequence change creates a premature translational stop signal (p.Gly110Aspfs*28) in the GALT gene. It is expected to result in an absent or disrupted protein product. Loss-of-function variants in GALT are known to be pathogenic (PMID: 22944367).

Literature cited by the submitters: PubMed 22944367.

NM_000155.4(GALT):c.327del (p.Gly110fs)

Gene: GALT (galactose-1-phosphate uridylyltransferase; plus strand). Cytogenetic location: 9p13.3.
Variant type: Deletion.
Coding change: c.327del on transcript NM_000155.4 (MANE Select); coding-DNA position 327, one base deleted (A; older notation c.327delA).
Protein change: p.Gly110fs; shifts the reading frame from glycine 110.
Molecular consequence: frameshift variant. On other transcripts: intron variant (1).
Genome position (GRCh38, 1-based): chr9:34,647,566, A deleted. VCF-style (leftmost placement, unchanged base first): chr9-34647565-CA-C. GRCh37 (hg19) VCF-style: chr9-34647562-CA-C.
Other names: c.51-266del (NM_001258332.2); short protein forms G110fs.
Identifiers: ClinVar variation 1451313 (VCV001451313.6), dbSNP rs2132342518, ClinGen allele CA2573144584.